The following is an entry in ClinVar:

ClinVar aggregate classification (germline): Pathogenic (1 of 4 stars; one submission).

Conditions:
Primary ciliary dyskinesia. Also called: Ciliary dyskinesia. Identifiers: Orphanet 244, MedGen C0008780, MONDO:0016575, HP:0012265.

Submission:

Labcorp Genetics (formerly Invitae), Labcorp
Classification: Pathogenic for Primary ciliary dyskinesia. Last evaluated: 2017-06-20. Review status: criteria provided, single submitter. Criteria: Invitae Variant Classification Sherloc (09022015). Collection method: clinical testing. Allele origin: germline.
Comment: For these reasons, this variant has been classified as Pathogenic. Loss-of-function variants in DNAH11 are known to be pathogenic (PMID: 22184204). This variant has not been reported in the literature in individuals with a DNAH11-related disease. This variant is not present in population databases (ExAC no frequency). This sequence change creates a premature translational stop signal (p.Lys496*) in the DNAH11 gene. It is expected to result in an absent or disrupted protein product.

Literature cited by the submitters: PubMed 22184204.

NM_001277115.2(DNAH11):c.1486A>T (p.Lys496Ter)

Gene: DNAH11 (dynein axonemal heavy chain 11; plus strand). Cytogenetic location: 7p15.3.
Variant type: single nucleotide variant.
Coding change: c.1486A>T on transcript NM_001277115.2 (MANE Select); coding-DNA position 1486, A replaced by T.
Protein change: p.Lys496Ter; replaces lysine 496 with a stop codon.
Molecular consequence: nonsense.
Genome position (GRCh38, 1-based): chr7:21,571,866, A>T. VCF-style: chr7-21571866-A-T. GRCh37 (hg19) VCF-style: chr7-21611484-A-T.
Other names: short protein forms K496*.
Identifiers: ClinVar variation 454662 (VCV000454662.7), dbSNP rs769637393, ClinGen allele CA366935876.
Genomic context (GRCh38, chr7:21,571,866, plus strand): 5'-GATATATTTGCCACCACTTTGGAATTTGAAAAGCTGGAAAGACTGGAATTTGGTGGTACC[A>T]AAGGAGCAATTTTAAATGGACAAGTCCACGAGATGAGTGAAGAACTTATGGAACTCTGTA-3'